The following is an entry in ClinVar:

ClinVar aggregate classification (germline): Likely benign (1 of 4 stars; one submission).

Allele frequency attached by ClinVar (database versions not stated): ExAC 0.00035.

Submission:

CeGaT Center for Human Genetics Tuebingen
Classification: Likely benign. Last evaluated: 2022-11-01. Review status: criteria provided, single submitter. Criteria: CeGaT Center For Human Genetics Tuebingen Variant Classification Criteria Version 2. Collection method: clinical testing. Allele origin: germline. Affected: yes. Observed: 1 variant allele.
Comment: THAP12: BP4, BP7

NM_004705.4(THAP12):c.2106G>A (p.Lys702=)

Gene: THAP12 (THAP domain containing 12; minus strand). Cytogenetic location: 11q13.5.
Variant type: single nucleotide variant.
Coding change: c.2106G>A on transcript NM_004705.4 (MANE Select); coding-DNA position 2106, G replaced by A.
Protein change: p.Lys702=; no amino-acid change (lysine 702 retained).
Molecular consequence: synonymous variant. On other transcripts: non-coding transcript variant (1).
Genome position (GRCh38, 1-based): chr11:76,351,044, C>T on the plus strand (G>A on the coding strand, the complement: THAP12 is on the minus strand). VCF-style: chr11-76351044-C-T. GRCh37 (hg19) VCF-style: chr11-76062088-C-T.
Identifiers: ClinVar variation 2642165 (VCV002642165.24), dbSNP rs752359040, ClinGen allele CA6193172.